The following is an entry in ClinVar:

ClinVar aggregate classification (germline): Pathogenic (1 of 4 stars; one submission).

Conditions:
TWIST1-related craniosynostosis (CRS1). Also called: CRANIOSYNOSTOSIS 1. Identifiers: Orphanet 63440, MedGen C4551902, MONDO:0007399, OMIM 123100. Inheritance: Heterogenous inheritance pattern.
Saethre-Chotzen syndrome (SCS). Also called: ACROCEPHALY, SKULL ASYMMETRY, AND MILD SYNDACTYLY; ACS III; CHOTZEN SYNDROME. Identifiers: Orphanet 794, MedGen C0175699, MONDO:0007042, OMIM 101400.

Submission:

Labcorp Genetics (formerly Invitae), Labcorp
Classification: Pathogenic for TWIST1-related craniosynostosis; Saethre-Chotzen syndrome. Last evaluated: 2024-10-30. Review status: criteria provided, single submitter. Criteria: Invitae Variant Classification Sherloc (09022015). Collection method: clinical testing. Allele origin: germline.
Comment: This sequence change creates a premature translational stop signal (p.Ser42Alafs*83) in the TWIST1 gene. It is expected to result in an absent or disrupted protein product. Loss-of-function variants in TWIST1 are known to be pathogenic (PMID: 10749989). This variant is not present in population databases (gnomAD no frequency). This variant has not been reported in the literature in individuals affected with TWIST1-related conditions. For these reasons, this variant has been classified as Pathogenic.

Literature cited by the submitters: PubMed 10749989.

NM_000474.4(TWIST1):c.124del (p.Ser42fs)

Gene: TWIST1 (twist family bHLH transcription factor 1; minus strand). Cytogenetic location: 7p21.1.
Variant type: Deletion.
Coding change: c.124del on transcript NM_000474.4 (MANE Select); coding-DNA position 124, one base deleted (A; older notation c.124delA).
Protein change: p.Ser42fs; shifts the reading frame from serine 42.
Molecular consequence: frameshift variant. On other transcripts: non-coding transcript variant (1).
Genome position (GRCh38, 1-based): chr7:19,117,198, T deleted on the plus strand (A on the coding strand, the reverse complement: TWIST1 is on the minus strand). VCF-style (leftmost placement, unchanged base first): chr7-19117197-CT-C. GRCh37 (hg19) VCF-style: chr7-19156820-CT-C.
Other names: short protein forms S42fs.
Identifiers: ClinVar variation 3759623 (VCV003759623.2).